The following is an entry in ClinVar:

NM_007126.5(VCP):c.298A>C (p.Ile100Leu)

Gene: VCP (valosin containing protein; minus strand). Cytogenetic location: 9p13.3.
Variant type: single nucleotide variant.
Coding change: c.298A>C on transcript NM_007126.5 (MANE Select); coding-DNA position 298, A replaced by C.
Protein change: p.Ile100Leu; replaces isoleucine 100 with leucine.
Molecular consequence: missense variant.
Genome position (GRCh38, 1-based): chr9:35,067,895, T>G on the plus strand (A>C on the coding strand, the complement: VCP is on the minus strand). VCF-style: chr9-35067895-T-G. GRCh37 (hg19) VCF-style: chr9-35067892-T-G.
Other names: c.163A>C, p.Ile55Leu (NM_001354927.2, NM_001354928.2); short protein forms I100L, I55L.
Identifiers: ClinVar variation 4982494 (VCV004982494.1).

ClinVar aggregate classification (germline): Uncertain significance (1 of 4 stars; one submission).

Conditions:
VCP-related disorder. Also called: VCP-related disorders; VCP-related condition.

Submission:

PreventionGenetics, part of Exact Sciences
Classification: Uncertain significance for VCP-related condition. Last evaluated: 2025-03-20. Review status: criteria provided, single submitter. Criteria: ACMG Guidelines, 2015. Collection method: clinical testing. Allele origin: germline.
Comment: The VCP c.298A>C variant is predicted to result in the amino acid substitution p.Ile100Leu. To our knowledge, this variant has not been reported in the literature or in a large population database (gnomAD), indicating this variant is rare. At this time, the clinical significance of this variant is uncertain due to the absence of conclusive functional and genetic evidence.